The following is an entry in ClinVar:

NM_004304.5(ALK):c.2821A>C (p.Asn941His)

Gene: ALK (ALK receptor tyrosine kinase; minus strand). Cytogenetic location: 2p23.2.
Variant type: single nucleotide variant.
Coding change: c.2821A>C on transcript NM_004304.5 (MANE Select); coding-DNA position 2821, A replaced by C.
Protein change: p.Asn941His; replaces asparagine 941 with histidine.
Molecular consequence: missense variant.
Genome position (GRCh38, 1-based): chr2:29,227,667, T>G on the plus strand (A>C on the coding strand, the complement: ALK is on the minus strand). VCF-style: chr2-29227667-T-G. GRCh37 (hg19) VCF-style: chr2-29450533-T-G.
Other names: short protein forms N941H.
Identifiers: ClinVar variation 538203 (VCV000538203.15), dbSNP rs1379843994, ClinGen allele CA346468933.

ClinVar aggregate classification (germline): Uncertain significance. Review status: criteria provided, multiple submitters, no conflicts (2 of 4 stars). 4 submissions from 4 submitters: Uncertain significance (4). Last evaluated 2026-02-11.

Conditions:
Hereditary cancer-predisposing syndrome. Also called: Neoplastic Syndromes, Hereditary; Tumor predisposition; Hereditary Cancer Syndrome; Hereditary neoplastic syndrome. Identifiers: Orphanet 140162, MedGen C0027672, MeSH D009386, MONDO:0015356.
Neuroblastoma, susceptibility to, 3. Also called: ALK-Related Neuroblastic Tumor Susceptibility. Identifiers: Orphanet 635, MedGen C2751681, MONDO:0013083, OMIM 613014.

Allele frequency attached by ClinVar (database versions not stated): gnomAD exomes below 0.00001; TOPMed 0.00001; gnomAD 0.00003.
gnomAD v4.1: 1 of 1,613,756 alleles (0.000062%); highest among the groups gnomAD compares: African/African-American, 0.0013%; no homozygotes.

Submissions (4):

St. Jude Molecular Pathology, St. Jude Children's Research Hospital
Classification: Uncertain significance for Neuroblastoma, susceptibility to, 3. Last evaluated: 2026-02-11. Review status: criteria provided, single submitter. Criteria: St. Jude Assertion Criteria 2020. Collection method: clinical testing. Allele origin: germline.
Comment: The ALK c.2821A>C p.(Asn941His) missense change has a maximum subpopulation frequency of 0.011% in gnomAD v2.1.1. The in silico tool REVEL predicts a benign effect on protein function, but to our knowledge this prediction has not been confirmed by functional studies. To our knowledge, this variant has not been reported in individuals with ALK-related neuroblastic tumor susceptibility. In summary, the evidence currently available is insufficient to determine the clinical significance of this variant. It has therefore been classified as of uncertain significance.

Ambry Genetics
Classification: Uncertain significance for Hereditary cancer-predisposing syndrome. Last evaluated: 2025-05-10. Review status: criteria provided, single submitter. Criteria: Ambry Variant Classification Scheme 2023. Collection method: clinical testing. Allele origin: germline.
Comment: The p.N941H variant (also known as c.2821A>C), located in coding exon 17 of the ALK gene, results from an A to C substitution at nucleotide position 2821. The asparagine at codon 941 is replaced by histidine, an amino acid with similar properties. This amino acid position is conserved. In addition, this alteration is predicted to be tolerated by in silico analysis. Since supporting evidence is limited at this time, the clinical significance of this alteration remains unclear.

Labcorp Genetics (formerly Invitae), Labcorp
Classification: Uncertain significance for Neuroblastoma, susceptibility to, 3. Last evaluated: 2025-03-14. Review status: criteria provided, single submitter. Criteria: Invitae Variant Classification Sherloc (09022015). Collection method: clinical testing. Allele origin: germline.
Comment: This sequence change replaces asparagine, which is neutral and polar, with histidine, which is basic and polar, at codon 941 of the ALK protein (p.Asn941His). This variant is present in population databases (no rsID available, gnomAD 0.01%). This variant has not been reported in the literature in individuals affected with ALK-related conditions. ClinVar contains an entry for this variant (Variation ID: 538203). An algorithm developed to predict the effect of missense changes on protein structure and function (PolyPhen-2) suggests that this variant is likely to be disruptive. In summary, the available evidence is currently insufficient to determine the role of this variant in disease. Therefore, it has been classified as a Variant of Uncertain Significance.

Baylor Genetics
Classification: Uncertain significance for Neuroblastoma, susceptibility to, 3. Last evaluated: 2023-06-22. Review status: criteria provided, single submitter. Criteria: ACMG Guidelines, 2015. Collection method: clinical testing. Allele origin: unknown.